The following is an entry in ClinVar:

ClinVar aggregate classification (germline): Benign/Likely benign. Review status: criteria provided, multiple submitters, no conflicts (2 of 4 stars). 7 submissions from 7 submitters: Benign (1); Likely benign (5). 1 of the submissions does not count toward it. Last evaluated 2025-09-05.

Conditions:
HSPG2-related disorder. Also called: HSPG2-related condition; HSPG2-related disorders.
Inborn genetic diseases. Identifiers: MedGen C0950123, MeSH D030342.

Allele frequency attached by ClinVar (database versions not stated): gnomAD exomes 0.00034 and 0.00078; gnomAD 0.00083 and 0.00096; ExAC 0.00087; TOPMed 0.00088; ESP Exome Variant Server 0.00092; 1000 Genomes Project 30x 0.00187; 1000 Genomes Project 0.00200.
gnomAD v4.1: 657 of 1,613,974 alleles (0.041%); highest among the groups gnomAD compares: South Asian, 0.42%; 6 homozygotes.

Submissions (7):

Labcorp Genetics (formerly Invitae), Labcorp
Classification: Benign. Last evaluated: 2025-09-05. Review status: criteria provided, single submitter. Criteria: Invitae Variant Classification Sherloc (09022015). Collection method: clinical testing. Allele origin: germline.

Blueprint Genetics
Classification: Likely benign. Last evaluated: 2024-10-22. Review status: criteria provided, single submitter. Criteria: ACMG Guidelines, 2015. Collection method: clinical testing. Allele origin: germline.

Ambry Genetics
Classification: Likely benign for Inborn genetic diseases. Last evaluated: 2022-08-19. Review status: criteria provided, single submitter. Criteria: Ambry Variant Classification Scheme 2023. Collection method: clinical testing. Allele origin: germline.

ARUP Laboratories, Molecular Genetics and Genomics, ARUP Laboratories
Classification: Likely benign. Last evaluated: 2021-03-09. Review status: criteria provided, single submitter. Criteria: ARUP Molecular Germline Variant Investigation Process 2021. Collection method: clinical testing. Allele origin: germline.

GeneDx
Classification: Likely benign. Last evaluated: 2021-03-08. Review status: criteria provided, single submitter. Criteria: GeneDx Variant Classification Process June 2021. Collection method: clinical testing. Allele origin: germline. Affected: yes.

Athena Diagnostics
Classification: Likely benign. Last evaluated: 2020-02-26. Review status: criteria provided, single submitter. Criteria: Athena Diagnostics Criteria. Collection method: clinical testing. Allele origin: unknown.

PreventionGenetics, part of Exact Sciences
Classification: Likely benign for HSPG2-related condition. Last evaluated: 2024-05-17. Review status: no assertion criteria provided. Collection method: clinical testing. Allele origin: germline. Not counted in ClinVar's aggregate classification.
Comment: This variant is classified as likely benign based on ACMG/AMP sequence variant interpretation guidelines (Richards et al. 2015 PMID: 25741868, with internal and published modifications).

NM_005529.7(HSPG2):c.7096G>A (p.Gly2366Arg)

Gene: HSPG2 (heparan sulfate proteoglycan 2; minus strand). Cytogenetic location: 1p36.12.
Variant type: single nucleotide variant.
Coding change: c.7096G>A on transcript NM_005529.7 (MANE Select); coding-DNA position 7096, G replaced by A.
Protein change: p.Gly2366Arg; replaces glycine 2366 with arginine.
Molecular consequence: missense variant.
Genome position (GRCh38, 1-based): chr1:21,851,608, C>T on the plus strand (G>A on the coding strand, the complement: HSPG2 is on the minus strand). VCF-style: chr1-21851608-C-T. GRCh37 (hg19) VCF-style: chr1-22178101-C-T.
Other names: c.7099G>A, p.Gly2367Arg (NM_001291860.2); short protein forms G2366R, G2367R.
Identifiers: ClinVar variation 447558 (VCV000447558.25), dbSNP rs140476180, ClinGen allele CA671315.
Genomic context (GRCh38, chr1:21,851,608, plus strand): 5'-GGTGCCGGACAGGGAGGCTGCCCCCACGCTTGTGCCACGTGACCTGGGCATGGGACTGCC[C>T]GGGCACCACGCAGTTCAGATCCAGGGTCTGCCCTTCCGCCACTTGCGAGGAGGAGGGCTC-3'
Protein context (NP_005520.4, residues 2356-2376): QTLDLNCVVP[Gly2366Arg]QSHAQVTWHK